The following is an entry in ClinVar:

ClinVar aggregate classification (germline): Conflicting classifications of pathogenicity. Review status: criteria provided, conflicting classifications (1 of 4 stars). 5 submissions from 5 submitters: Uncertain significance (4); Benign (1). Last evaluated 2025-08-13.

Conditions:
Dilated cardiomyopathy 1AA (CMD1AA). Also called: CARDIOMYOPATHY, DILATED, 1AA, WITH OR WITHOUT LEFT VENTRICULAR NONCOMPACTION; CARDIOMYOPATHY, FAMILIAL HYPERTROPHIC, 23, WITH OR WITHOUT LEFT VENTRICULAR NONCOMPACTION; Cardiomyopathy, dilated, 1AA, with or without LVNC. Identifiers: Orphanet 154, MedGen C2677338, MONDO:0012808, OMIM 612158.
Myopathy, congenital, with structured cores and z-line abnormalities. Also called: MULTIPLE STRUCTURED CORE DISEASE; CONGENITAL MYOPATHY 8. Identifiers: MedGen C5231445, MONDO:0032852, OMIM 618654.
Myopathy, distal, 6, adult-onset, autosomal dominant. Identifiers: MedGen C5203349, MONDO:0032853, OMIM 618655.
Cardiovascular phenotype. Identifiers: MedGen CN230736.
Primary familial hypertrophic cardiomyopathy (HCM). Identifiers: Orphanet 99739, MedGen C0949658, MeSH D024741, MONDO:0024573. Inheritance: Various modes of inheritance.

Allele frequency attached by ClinVar (database versions not stated): ExAC 0.00001; gnomAD exomes 0.00001; gnomAD 0.00002; TOPMed 0.00003; ESP Exome Variant Server 0.00008.
gnomAD v4.1: 6 of 1,614,072 alleles (0.00037%); highest among the groups gnomAD compares: African/African-American, 0.0013%; no homozygotes.

Submissions (5):

Ambry Genetics
Classification: Uncertain significance for Cardiovascular phenotype. Last evaluated: 2025-08-13. Review status: criteria provided, single submitter. Criteria: Ambry Variant Classification Scheme 2023. Collection method: clinical testing. Allele origin: germline.
Comment: The p.Q349L variant (also known as c.1046A>T), located in coding exon 10 of the ACTN2 gene, results from an A to T substitution at nucleotide position 1046. The glutamine at codon 349 is replaced by leucine, an amino acid with dissimilar properties. This variant was identified in an individual with cardiomyopathy (Gonzalez-Garay ML et al. Proc. Natl. Acad. Sci. U.S.A., 2013 Oct;110:16957-62). This amino acid position is highly conserved in available vertebrate species. In addition, this alteration is predicted to be deleterious by in silico analysis. Since supporting evidence is limited at this time, the clinical significance of this alteration remains unclear.

Labcorp Genetics (formerly Invitae), Labcorp
Classification: Benign for Primary familial hypertrophic cardiomyopathy; Dilated cardiomyopathy 1AA. Last evaluated: 2025-02-23. Review status: criteria provided, single submitter. Criteria: Invitae Variant Classification Sherloc (09022015). Collection method: clinical testing. Allele origin: germline.

AiLife Diagnostics
Classification: Uncertain significance. Last evaluated: 2022-01-19. Review status: criteria provided, single submitter. Criteria: ACMG Guidelines, 2015. Collection method: clinical testing. Allele origin: germline. Affected: yes. Observed: 1 variant allele.

Fulgent Genetics
Classification: Uncertain significance for Dilated cardiomyopathy 1AA; Myopathy, congenital, with structured cores and z-line abnormalities; Myopathy, distal, 6, adult-onset, autosomal dominant. Last evaluated: 2021-09-16. Review status: criteria provided, single submitter. Criteria: ACMG Guidelines, 2015. Collection method: clinical testing. Allele origin: unknown.

GeneDx
Classification: Uncertain significance. Last evaluated: 2017-11-02. Review status: criteria provided, single submitter. Criteria: GeneDx Variant Classification (06012015). Collection method: clinical testing. Allele origin: germline. Affected: yes.
Comment: A variant of uncertain significance has been identified in the ACTN2 gene. The Q349L variant has been reported in one patient with cardiomyopathy who volunteered for whole exome sequencing; however, this patient also harbored another cardiogenetic variant and segregation data was not provided (Gonzalez-Garay et al., 2013). The Q349L variant is not observed at a significant frequency in large population cohorts (Lek et al., 2016). The Q349L variant is a non-conservative amino acid substitution, which is likely to impact secondary protein structure as these residues differ in polarity, charge, size and/or other properties. This substitution occurs at a position that is conserved across species, and in silico analysis predicts this variant is probably damaging to the protein structure/function. Nonetheless, no missense variants in nearby residues have been reported in the Human Gene Mutation Database in association with cardiomyopathy (Stenson et al., 2014).

Literature cited by the submitters: PubMed 24082139 (cited by Ambry Genetics and AiLife Diagnostics).

NM_001103.4(ACTN2):c.1046A>T (p.Gln349Leu)

Gene: ACTN2 (actinin alpha 2; plus strand). Cytogenetic location: 1q43.
Variant type: single nucleotide variant.
Coding change: c.1046A>T on transcript NM_001103.4 (MANE Select); coding-DNA position 1046, A replaced by T.
Protein change: p.Gln349Leu; replaces glutamine 349 with leucine.
Molecular consequence: missense variant.
Genome position (GRCh38, 1-based): chr1:236,739,471, A>T. VCF-style: chr1-236739471-A-T. GRCh37 (hg19) VCF-style: chr1-236902771-A-T.
Other names: c.1046A>T, p.Gln349Leu (NM_001278343.2); c.422A>T, p.Gln141Leu (NM_001278344.2); short protein forms Q349L, Q141L.
Identifiers: ClinVar variation 216492 (VCV000216492.17), dbSNP rs376335356, ClinGen allele CA336136.